The following is an entry in ClinVar:

ClinVar aggregate classification (germline): Uncertain significance (1 of 4 stars; one submission).

Conditions:
Hearing impairment. Also called: Impaired Hearing. Identifiers: MedGen C1384666, MONDO:0005365, HP:0000365.

Submission:

Department of Otolaryngology – Head & Neck Surgery, Cochlear Implant Center
Classification: Uncertain significance for Hearing impairment. Last evaluated: 2021-04-12. Review status: criteria provided, single submitter. Criteria: ClinGen HL ACMG Specifications v1. Collection method: clinical testing. Allele origin: germline. Affected: yes.
Comment: PM2_Moderate, PP3_Supporting

NM_032119.4(ADGRV1):c.3232G>A (p.Glu1078Lys)

Gene: ADGRV1 (adhesion G protein-coupled receptor V1; plus strand). Cytogenetic location: 5q14.3.
Variant type: single nucleotide variant.
Coding change: c.3232G>A on transcript NM_032119.4 (MANE Select); coding-DNA position 3232, G replaced by A.
Protein change: p.Glu1078Lys; replaces glutamic acid 1078 with lysine.
Molecular consequence: missense variant. On other transcripts: non-coding transcript variant (1).
Genome position (GRCh38, 1-based): chr5:90,647,707, G>A. VCF-style: chr5-90647707-G-A. GRCh37 (hg19) VCF-style: chr5-89943524-G-A.
Other names: short protein forms E1078K.
Identifiers: ClinVar variation 1064877 (VCV001064877.3), dbSNP rs2149447085, ClinGen allele CA360393878.